The following is an entry in ClinVar:

NM_000701.8(ATP1A1):c.2769dup (p.Val924fs)

Genes: ATP1A1 (ATPase Na+/K+ transporting subunit alpha 1; plus strand), ATP1A1-AS1 (ATP1A1 antisense RNA 1; minus strand). Cytogenetic location: 1p13.1.
Variant type: Duplication.
Coding change: c.2769dup on transcript NM_000701.8 (MANE Select); coding-DNA position 2769, one base duplicated (C; older notation c.2769dupC).
Protein change: p.Val924fs; shifts the reading frame from valine 924.
Molecular consequence: frameshift variant.
Genome position (GRCh38, 1-based): chr1:116,401,180, C duplicated. VCF-style (leftmost placement, unchanged base first): chr1-116401179-T-TC. GRCh37 (hg19) VCF-style: chr1-116943801-T-TC.
Other names: c.2769dup, p.Val924fs (NM_001160233.2); c.2676dup, p.Val893fs (NM_001160234.2); short protein forms V893fs, V924fs.
Identifiers: ClinVar variation 2025243 (VCV002025243.4), dbSNP rs2525893123, ClinGen allele CA2580060865.

ClinVar aggregate classification (germline): Uncertain significance (1 of 4 stars; one submission).

Submission:

Labcorp Genetics (formerly Invitae), Labcorp
Classification: Uncertain significance. Last evaluated: 2023-06-27. Review status: criteria provided, single submitter. Criteria: Invitae Variant Classification Sherloc (09022015). Collection method: clinical testing. Allele origin: germline.
Comment: In summary, the available evidence is currently insufficient to determine the role of this variant in disease. Therefore, it has been classified as a Variant of Uncertain Significance. ClinVar contains an entry for this variant (Variation ID: 2025243). This variant has not been reported in the literature in individuals affected with ATP1A1-related conditions. This variant is not present in population databases (gnomAD no frequency). This sequence change creates a premature translational stop signal (p.Val924Argfs*15) in the ATP1A1 gene. It is expected to result in an absent or disrupted protein product. However, the current clinical and genetic evidence is not sufficient to establish whether loss-of-function variants in ATP1A1 cause disease.